The following is an entry in ClinVar:

ClinVar aggregate classification (germline): Uncertain significance (1 of 4 stars; one submission).

Conditions:
Spastic paraplegia. Identifiers: MedGen C0037772, HP:0001258.

Submission:

Labcorp Genetics (formerly Invitae), Labcorp
Classification: Uncertain significance for Spastic paraplegia. Last evaluated: 2022-05-03. Review status: criteria provided, single submitter. Criteria: Invitae Variant Classification Sherloc (09022015). Collection method: clinical testing. Allele origin: germline.
Comment: In summary, the available evidence is currently insufficient to determine the role of this variant in disease. Therefore, it has been classified as a Variant of Uncertain Significance. Algorithms developed to predict the effect of missense changes on protein structure and function are either unavailable or do not agree on the potential impact of this missense change (SIFT: "Deleterious"; PolyPhen-2: "Probably Damaging"; Align-GVGD: "Class C0"). This variant has not been reported in the literature in individuals affected with ZFYVE26-related conditions. This variant is not present in population databases (gnomAD no frequency). This sequence change replaces histidine, which is basic and polar, with glutamine, which is neutral and polar, at codon 2298 of the ZFYVE26 protein (p.His2298Gln).

NM_015346.4(ZFYVE26):c.6894C>G (p.His2298Gln)

Gene: ZFYVE26 (zinc finger FYVE-type containing 26; minus strand). Cytogenetic location: 14q24.1.
Variant type: single nucleotide variant.
Coding change: c.6894C>G on transcript NM_015346.4 (MANE Select); coding-DNA position 6894, C replaced by G.
Protein change: p.His2298Gln; replaces histidine 2298 with glutamine.
Molecular consequence: missense variant.
Genome position (GRCh38, 1-based): chr14:67,755,143, G>C on the plus strand (C>G on the coding strand, the complement: ZFYVE26 is on the minus strand). VCF-style: chr14-67755143-G-C. GRCh37 (hg19) VCF-style: chr14-68221860-G-C.
Other names: short protein forms H2298Q.
Identifiers: ClinVar variation 2098700 (VCV002098700.4), dbSNP rs2503941093, ClinGen allele CA390160690.